The following is an entry in ClinVar:

ClinVar aggregate classification (germline): Likely benign (1 of 4 stars; one submission).

Conditions:
Familial adenomatous polyposis 1 (FAP1). Also called: POLYPOSIS, ADENOMATOUS INTESTINAL; FAMILIAL ADENOMATOUS POLYPOSIS 1, ATTENUATED. Identifiers: MedGen C2713442, MONDO:0021056, OMIM 175100. Disease mechanism: loss of function.

Submission:

Myriad Genetics, Inc.
Classification: Likely benign for Familial adenomatous polyposis 1. Last evaluated: 2024-02-29. Review status: criteria provided, single submitter. Criteria: Myriad Autosomal Dominant, Autosomal Recessive and X-Linked Classification Criteria (2023). Collection method: clinical testing. Allele origin: unknown.
Comment: This variant is considered likely benign. This variant is intronic and is not expected to impact mRNA splicing.

NM_000038.6(APC):c.933+7_933+8del

Gene: APC (APC regulator of Wnt signaling pathway; plus strand). Cytogenetic location: 5q22.2.
Variant type: Deletion.
Coding change: c.933+7_933+8del on transcript NM_000038.6 (MANE Select); bases 7 to 8 of the intron after coding-DNA position 933, 2 bases deleted (GA; older notation c.933+7_933+8delGA).
Molecular consequence: intron variant.
Genome position (GRCh38, 1-based): chr5:112,815,600-112,815,601, GA deleted; deleting any 2 consecutive bases within chr5:112,815,599-112,815,601 gives the same sequence; the c. name uses the placement nearest the transcript's 3' end. VCF-style (leftmost placement, unchanged base first): chr5-112815598-CAG-C. GRCh37 (hg19) VCF-style: chr5-112151295-CAG-C.
Other names: c.84+7_84+8del (NM_001407470.1, NM_001407472.1, NM_001354906.2 and 1 more transcripts); c.933+7_933+8del (NM_001407447.1, NM_001354895.2, NM_001407456.1 and 12 more transcripts); c.849+7_849+8del (NM_001407452.1, NM_001407469.1, NM_001354899.2 and 1 more transcripts); c.963+7_963+8del (NM_001407446.1, NM_001354897.2, NM_001354902.2); c.879+7_879+8del (NM_001127511.3); c.756+7_756+8del (NM_001407453.1, NM_001354900.2, NM_001354901.2 and 1 more transcripts); c.858+7_858+8del (NM_001407451.1, NM_001354898.2, NM_001354904.2).
Identifiers: ClinVar variation 3148178 (VCV003148178.1), dbSNP rs2532973754, ClinGen allele CA2825001378.